The following is an entry in ClinVar:

NM_017871.6(INTS11):c.1652_1653del (p.Val551fs)

Gene: INTS11 (integrator complex subunit 11; minus strand). Cytogenetic location: 1p36.33.
Variant type: Microsatellite.
Coding change: c.1652_1653del on transcript NM_017871.6 (MANE Select); coding-DNA positions 1652 to 1653, 2 bases deleted (TG; older notation c.1652_1653delTG).
Protein change: p.Val551fs; shifts the reading frame from valine 551.
Molecular consequence: frameshift variant.
Genome position (GRCh38, 1-based): chr1:1,312,102-1,312,103, CA deleted on the plus strand (TG on the coding strand, the reverse complement: INTS11 is on the minus strand); deleting any 2 consecutive bases within chr1:1,312,102-1,312,105 gives the same sequence; the c. name uses the placement nearest the transcript's 3' end. VCF-style (leftmost placement, unchanged base first): chr1-1312101-TCA-T. GRCh37 (hg19) VCF-style: chr1-1247481-TCA-T.
Other names: p.V551Dfs*14; c.1670_1671del, p.Val557fs (NM_001256456.2); c.1565_1566del, p.Val522fs (NM_001256460.2); c.1358_1359del, p.Val453fs (NM_001256462.2); c.1349_1350del, p.Val450fs (NM_001256463.2); short protein forms V450fs, V453fs, V522fs, V551fs, V557fs.
Identifiers: ClinVar variation 3359221 (VCV003359221.2).

ClinVar aggregate classification (germline): Likely pathogenic (0 of 4 stars; one submission).

Conditions:
Neurodevelopmental disorder with motor and language delay, ocular defects, and brain abnormalities (NEDMLOB). Identifiers: MedGen C5830596, MONDO:0957386, OMIM 620428.

Submission:

Undiagnosed Diseases Network, NIH
Classification: Likely pathogenic for Neurodevelopmental disorder with motor and language delay, ocular defects, and brain abnormalities. Last evaluated: 2024-04-17. Review status: no assertion criteria provided. Collection method: clinical testing. Allele origin: paternal. Affected: yes. Observed: 2 variant alleles, 1 heterozygote, 1 compound heterozygote. Study: Undiagnosed Diseases Network (NIH), UDN.
Comment: PMID: 37054711; Family 3. Variant escapes NMD, producing truncated product.

Literature cited by the submitters: PubMed 37054711.